The following is an entry in ClinVar:

NM_032444.4(SLX4):c.2816G>C (p.Arg939Pro)

Gene: SLX4 (SLX4 structure-specific endonuclease subunit; minus strand). Cytogenetic location: 16p13.3.
Variant type: single nucleotide variant.
Coding change: c.2816G>C on transcript NM_032444.4 (MANE Select); coding-DNA position 2816, G replaced by C.
Protein change: p.Arg939Pro; replaces arginine 939 with proline.
Molecular consequence: missense variant.
Genome position (GRCh38, 1-based): chr16:3,590,822, C>G on the plus strand (G>C on the coding strand, the complement: SLX4 is on the minus strand). VCF-style: chr16-3590822-C-G. GRCh37 (hg19) VCF-style: chr16-3640823-C-G.
Other names: c.2816G>C (LRG_503t1); short protein forms R939P.
Identifiers: ClinVar variation 526319 (VCV000526319.8), dbSNP rs768474876, ClinGen allele CA394522746.

ClinVar aggregate classification (germline): Uncertain significance (1 of 4 stars; one submission).

Conditions:
Fanconi anemia (FA). Also called: Fanconi's anemia. Identifiers: Orphanet 84, MedGen C0015625, MeSH D005199, MONDO:0019391.

Submission:

Labcorp Genetics (formerly Invitae), Labcorp
Classification: Uncertain significance for Fanconi anemia. Last evaluated: 2017-12-20. Review status: criteria provided, single submitter. Criteria: Invitae Variant Classification Sherloc (09022015). Collection method: clinical testing. Allele origin: germline.
Comment: In summary, the available evidence is currently insufficient to determine the role of this variant in disease. Therefore, it has been classified as a Variant of Uncertain Significance. Algorithms developed to predict the effect of missense changes on protein structure and function (SIFT, PolyPhen-2, Align-GVGD) all suggest that this variant is likely to be tolerated, but these predictions have not been confirmed by published functional studies and their clinical significance is uncertain. This variant has not been reported in the literature in individuals with SLX4-related disease. This variant is not present in population databases (ExAC no frequency). This sequence change replaces arginine with proline at codon 939 of the SLX4 protein (p.Arg939Pro). The arginine residue is weakly conserved and there is a moderate physicochemical difference between arginine and proline.